The following is an entry in ClinVar:

ClinVar aggregate classification (germline): Uncertain significance (1 of 4 stars; one submission).

Conditions:
Chédiak-Higashi syndrome (CHS). Also called: Chediak-Higashi Syndrome. Identifiers: Orphanet 167, MedGen C0007965, MONDO:0008963, OMIM 214500.

Submission:

Labcorp Genetics (formerly Invitae), Labcorp
Classification: Uncertain significance for Chédiak-Higashi syndrome. Last evaluated: 2023-12-05. Review status: criteria provided, single submitter. Criteria: Invitae Variant Classification Sherloc (09022015). Collection method: clinical testing. Allele origin: germline.
Comment: This sequence change replaces tryptophan, which is neutral and slightly polar, with arginine, which is basic and polar, at codon 454 of the LYST protein (p.Trp454Arg). This variant is not present in population databases (gnomAD no frequency). This variant has not been reported in the literature in individuals affected with LYST-related conditions. Advanced modeling of protein sequence and biophysical properties (such as structural, functional, and spatial information, amino acid conservation, physicochemical variation, residue mobility, and thermodynamic stability) performed at Invitae indicates that this missense variant is not expected to disrupt LYST protein function with a negative predictive value of 80%. In summary, the available evidence is currently insufficient to determine the role of this variant in disease. Therefore, it has been classified as a Variant of Uncertain Significance.

NM_000081.4(LYST):c.1360T>C (p.Trp454Arg)

Gene: LYST (lysosomal trafficking regulator; minus strand). Cytogenetic location: 1q42.3.
Variant type: single nucleotide variant.
Coding change: c.1360T>C on transcript NM_000081.4 (MANE Select); coding-DNA position 1360, T replaced by C.
Protein change: p.Trp454Arg; replaces tryptophan 454 with arginine.
Molecular consequence: missense variant.
Genome position (GRCh38, 1-based): chr1:235,809,458, A>G on the plus strand (T>C on the coding strand, the complement: LYST is on the minus strand). VCF-style: chr1-235809458-A-G. GRCh37 (hg19) VCF-style: chr1-235972758-A-G.
Other names: c.1360T>C, p.Trp454Arg (NM_001301365.1); short protein forms W454R.
Identifiers: ClinVar variation 2755642 (VCV002755642.3), dbSNP rs2527116404, ClinGen allele CA344962575.